The following is an entry in ClinVar:

NM_000082.4(ERCC8):c.843+1G>C

Gene: ERCC8 (ERCC excision repair 8, CSA ubiquitin ligase complex subunit; minus strand). Cytogenetic location: 5q12.1.
Variant type: single nucleotide variant.
Coding change: c.843+1G>C on transcript NM_000082.4 (MANE Select); the canonical splice donor site of the intron after coding-DNA position 843, G replaced by C.
Molecular consequence: splice donor variant.
Genome position (GRCh38, 1-based): chr5:60,898,275, C>G on the plus strand (G>C on the coding strand, the complement: ERCC8 is on the minus strand). VCF-style: chr5-60898275-C-G. GRCh37 (hg19) VCF-style: chr5-60194102-C-G.
Other names: c.384+1G>C (NM_001290285.2); c.669+1G>C (NM_001007233.3).
Identifiers: ClinVar variation 1455111 (VCV001455111.6), dbSNP rs1305258765, ClinGen allele CA359824811.

ClinVar aggregate classification (germline): Pathogenic (1 of 4 stars; one submission).

Allele frequency attached by ClinVar (database versions not stated): gnomAD exomes below 0.00001.
gnomAD v4.1: 1 of 1,613,224 alleles (0.000062%); highest among the groups gnomAD compares: African/African-American, 0.0013%; no homozygotes.

Submission:

Labcorp Genetics (formerly Invitae), Labcorp
Classification: Pathogenic. Last evaluated: 2024-03-21. Review status: criteria provided, single submitter. Criteria: Invitae Variant Classification Sherloc (09022015). Collection method: clinical testing. Allele origin: germline.
Comment: This sequence change affects a donor splice site in intron 9 of the ERCC8 gene. RNA analysis indicates that disruption of this splice site induces altered splicing and may result in an absent or disrupted protein product. This variant is not present in population databases (gnomAD no frequency). Disruption of this splice site has been observed in individual(s) with Cockayne syndrome (PMID: 29057985, 30200888). In at least one individual the data is consistent with being in trans (on the opposite chromosome) from a pathogenic variant. ClinVar contains an entry for this variant (Variation ID: 1455111). Studies have shown that disruption of this splice site results in inclusion of part of intron 9 and introduces a premature termination codon (PMID: 30200888). The resulting mRNA is expected to undergo nonsense-mediated decay. For these reasons, this variant has been classified as Pathogenic.

Literature cited by the submitters: PubMed 29057985; PubMed 30200888.